The following is an entry in ClinVar:

ClinVar aggregate classification (germline): Conflicting classifications of pathogenicity. Review status: criteria provided, conflicting classifications (1 of 4 stars). 2 submissions from 2 submitters: Uncertain significance (1); Likely benign (1). Last evaluated 2025-11-21.

Conditions:
Cardiovascular phenotype. Identifiers: MedGen CN230736.
Long QT syndrome (LQTS). Identifiers: MedGen C0023976, MeSH D008133, MONDO:0002442. Disease mechanism: loss of function. Inheritance: Various modes of inheritance.

Allele frequency attached by ClinVar (database versions not stated): gnomAD 0.00003 and 0.00004; gnomAD exomes 0.00003 and 0.00008; ExAC 0.00008; TOPMed 0.00008.
gnomAD v4.1: 49 of 1,612,586 alleles (0.003%); highest among the groups gnomAD compares: Admixed American, 0.038%; no homozygotes.

Submissions (2):

Labcorp Genetics (formerly Invitae), Labcorp
Classification: Uncertain significance for Long QT syndrome. Last evaluated: 2025-11-21. Review status: criteria provided, single submitter. Criteria: Invitae Variant Classification Sherloc (09022015). Collection method: clinical testing. Allele origin: germline.
Comment: This sequence change replaces leucine, which is neutral and non-polar, with valine, which is neutral and non-polar, at codon 1913 of the AKAP9 protein (p.Leu1913Val). This variant is present in population databases (rs769085707, gnomAD 0.05%). This variant has not been reported in the literature in individuals affected with AKAP9-related conditions. ClinVar contains an entry for this variant (Variation ID: 645221). An algorithm developed to predict the effect of missense changes on protein structure and function (PolyPhen-2) suggests that this variant is likely to be disruptive. Algorithms developed to predict the effect of sequence changes on RNA splicing suggest that this variant may disrupt the consensus splice site. In summary, the available evidence is currently insufficient to determine the role of this variant in disease. Therefore, it has been classified as a Variant of Uncertain Significance.

Ambry Genetics
Classification: Likely benign for Cardiovascular phenotype. Last evaluated: 2022-11-03. Review status: criteria provided, single submitter. Criteria: Ambry Variant Classification Scheme 2023. Collection method: clinical testing. Allele origin: germline.

NM_005751.5(AKAP9):c.5737C>G (p.Leu1913Val)

Gene: AKAP9 (A-kinase anchoring protein 9; plus strand). Cytogenetic location: 7q21.2.
Variant type: single nucleotide variant.
Coding change: c.5737C>G on transcript NM_005751.5 (MANE Select); coding-DNA position 5737, C replaced by G.
Protein change: p.Leu1913Val; replaces leucine 1913 with valine.
Molecular consequence: missense variant.
Genome position (GRCh38, 1-based): chr7:92,061,395, C>G. VCF-style: chr7-92061395-C-G. GRCh37 (hg19) VCF-style: chr7-91690709-C-G.
Other names: c.382C>G, p.Leu128Val (NM_001379277.1); c.5737C>G, p.Leu1913Val (NM_147185.3); short protein forms L1913V, L128V.
Identifiers: ClinVar variation 645221 (VCV000645221.8), dbSNP rs769085707, ClinGen allele CA4336900.